The following is an entry in ClinVar:

NM_001376.5(DYNC1H1):c.13304T>C (p.Val4435Ala)

Gene: DYNC1H1 (dynein cytoplasmic 1 heavy chain 1; plus strand). Cytogenetic location: 14q32.31.
Variant type: single nucleotide variant.
Coding change: c.13304T>C on transcript NM_001376.5 (MANE Select); coding-DNA position 13304, T replaced by C.
Protein change: p.Val4435Ala; replaces valine 4435 with alanine.
Molecular consequence: missense variant.
Genome position (GRCh38, 1-based): chr14:102,048,601, T>C. VCF-style: chr14-102048601-T-C. GRCh37 (hg19) VCF-style: chr14-102514938-T-C.
Other names: short protein forms V4435A.
Identifiers: ClinVar variation 1393647 (VCV001393647.6), dbSNP rs1469263725, ClinGen allele CA391048224.

ClinVar aggregate classification (germline): Uncertain significance (1 of 4 stars; one submission).

Conditions:
Charcot-Marie-Tooth disease axonal type 2O. Also called: Charcot-Marie-Tooth Neuropathy Type 2O; Charcot-Marie-Tooth disease, axonal, type 20; CHARCOT-MARIE-TOOTH NEUROPATHY, AXONAL, TYPE 2O; CHARCOT-MARIE-TOOTH DISEASE, AXONAL, AUTOSOMAL DOMINANT, TYPE 2O. Identifiers: Orphanet 284232, MedGen C3280220, MONDO:0013644, OMIM 614228.

Allele frequency attached by ClinVar (database versions not stated): gnomAD exomes below 0.00001.
gnomAD v4.1: 2 of 1,614,170 alleles (0.00012%); highest among the groups gnomAD compares: Non-Finnish European, 0.00017%; no homozygotes.

Submission:

Labcorp Genetics (formerly Invitae), Labcorp
Classification: Uncertain significance for Charcot-Marie-Tooth disease axonal type 2O. Last evaluated: 2021-11-16. Review status: criteria provided, single submitter. Criteria: Invitae Variant Classification Sherloc (09022015). Collection method: clinical testing. Allele origin: germline.
Comment: In summary, the available evidence is currently insufficient to determine the role of this variant in disease. Therefore, it has been classified as a Variant of Uncertain Significance. Advanced modeling of protein sequence and biophysical properties (such as structural, functional, and spatial information, amino acid conservation, physicochemical variation, residue mobility, and thermodynamic stability) performed at Invitae indicates that this missense variant is not expected to disrupt DYNC1H1 protein function. This variant has not been reported in the literature in individuals affected with DYNC1H1-related conditions. This variant is present in population databases (no rsID available, gnomAD 0.0009%). This sequence change replaces valine, which is neutral and non-polar, with alanine, which is neutral and non-polar, at codon 4435 of the DYNC1H1 protein (p.Val4435Ala).